The following is an entry in ClinVar:

ClinVar aggregate classification (germline): Uncertain significance. Review status: criteria provided, multiple submitters, no conflicts (2 of 4 stars). 2 submissions from 2 submitters: Uncertain significance (2). Last evaluated 2024-06-16.

Conditions:
Amyotrophic lateral sclerosis type 15. Also called: AMYOTROPHIC LATERAL SCLEROSIS 15 WITH FRONTOTEMPORAL DEMENTIA. Identifiers: Orphanet 803, MedGen C3275459, MONDO:0010459, OMIM 300857.

Allele frequency attached by ClinVar (database versions not stated): gnomAD exomes 0.00001; TOPMed 0.00002.

Submissions (2):

Ambry Genetics
Classification: Uncertain significance. Last evaluated: 2024-06-16. Review status: criteria provided, single submitter. Criteria: Ambry Variant Classification Scheme 2023. Collection method: clinical testing. Allele origin: germline.

Labcorp Genetics (formerly Invitae), Labcorp
Classification: Uncertain significance for Amyotrophic lateral sclerosis type 15. Last evaluated: 2024-01-12. Review status: criteria provided, single submitter. Criteria: Invitae Variant Classification Sherloc (09022015). Collection method: clinical testing. Allele origin: germline.
Comment: This sequence change replaces alanine, which is neutral and non-polar, with threonine, which is neutral and polar, at codon 361 of the UBQLN2 protein (p.Ala361Thr). This variant is not present in population databases (gnomAD no frequency). This variant has not been reported in the literature in individuals affected with UBQLN2-related conditions. Advanced modeling of protein sequence and biophysical properties (such as structural, functional, and spatial information, amino acid conservation, physicochemical variation, residue mobility, and thermodynamic stability) performed at Invitae indicates that this missense variant is not expected to disrupt UBQLN2 protein function with a negative predictive value of 80%. In summary, the available evidence is currently insufficient to determine the role of this variant in disease. Therefore, it has been classified as a Variant of Uncertain Significance.

NM_013444.4(UBQLN2):c.1081G>A (p.Ala361Thr)

Gene: UBQLN2 (ubiquilin 2; plus strand). Cytogenetic location: Xp11.21.
Variant type: single nucleotide variant.
Coding change: c.1081G>A on transcript NM_013444.4 (MANE Select); coding-DNA position 1081, G replaced by A.
Protein change: p.Ala361Thr; replaces alanine 361 with threonine.
Molecular consequence: missense variant.
Genome position (GRCh38, 1-based): chrX:56,564,954, G>A. VCF-style: chrX-56564954-G-A. GRCh37 (hg19) VCF-style: chrX-56591387-G-A.
Other names: short protein forms A361T.
Identifiers: ClinVar variation 2779418 (VCV002779418.4), dbSNP rs978880893, ClinGen allele CA330041879.